The following is an entry in ClinVar:

NM_001080467.3(MYO5B):c.502G>A (p.Gly168Arg)

Gene: MYO5B (myosin VB; minus strand). Cytogenetic location: 18q21.1.
Variant type: single nucleotide variant.
Coding change: c.502G>A on transcript NM_001080467.3 (MANE Select); coding-DNA position 502, G replaced by A.
Protein change: p.Gly168Arg; replaces glycine 168 with arginine.
Molecular consequence: missense variant.
Genome position (GRCh38, 1-based): chr18:50,001,365, C>T on the plus strand (G>A on the coding strand, the complement: MYO5B is on the minus strand). VCF-style: chr18-50001365-C-T. GRCh37 (hg19) VCF-style: chr18-47527735-C-T.
Other names: short protein forms G168R.
Identifiers: ClinVar variation 1303176 (VCV001303176.3), dbSNP rs1324907355, ClinGen allele CA402439985.

ClinVar aggregate classification (germline): Uncertain significance. Review status: criteria provided, single submitter (1 of 4 stars). 2 submissions from 2 submitters: Uncertain significance (1). 1 of the submissions does not count toward it. Last evaluated 2020-11-19.

Conditions:
MYO5B-related disorder. Also called: MYO5B-related condition.

Allele frequency attached by ClinVar (database versions not stated): gnomAD exomes below 0.00001; gnomAD 0.00001; TOPMed 0.00001.
gnomAD v4.1: 8 of 1,614,028 alleles (0.0005%); highest among the groups gnomAD compares: East Asian, 0.0022%; no homozygotes.

Submissions (2):

GeneDx
Classification: Uncertain significance. Last evaluated: 2020-11-19. Review status: criteria provided, single submitter. Criteria: GeneDx Variant Classification Process June 2021. Collection method: clinical testing. Allele origin: germline. Affected: yes.
Comment: Not observed at a significant frequency in large population cohorts (Lek et al., 2016); In silico analysis supports that this missense variant has a deleterious effect on protein structure/function; This variant is associated with the following publications: (PMID: 20186687)

PreventionGenetics, part of Exact Sciences
Classification: Uncertain significance for MYO5B-related condition. Last evaluated: 2024-07-12. Review status: no assertion criteria provided. Collection method: clinical testing. Allele origin: germline. Not counted in ClinVar's aggregate classification.
Comment: The MYO5B c.502G>A variant is predicted to result in the amino acid substitution p.Gly168Arg. It has also been found as a heterozygous de novo variant in a cohort of individuals with severe developmental disorders who also carried a variant of uncertain significance in the LRRK1 gene (Kaplanis et al. 2020. PubMed ID: 33057194). The p.Gly168Arg change affects the active site of MYO5B and is predicted to have a high functional impact in protein activity (Heissler et al. 2017. PubMed ID: 28882893). This variant is reported in 0.0040% of alleles in individuals of European (Finnish) descent in gnomAD. At this time, the clinical significance of this variant is uncertain due to the absence of conclusive functional and genetic evidence.